The following is an entry in ClinVar:

ClinVar aggregate classification (germline): Uncertain significance (1 of 4 stars; one submission).

Conditions:
Retinitis pigmentosa 11 (RP11). Identifiers: Orphanet 791, MedGen C1838601, MONDO:0010828, OMIM 600138.

Submission:

3billion
Classification: Uncertain significance for Retinitis pigmentosa 11. Last evaluated: 2024-02-01. Review status: criteria provided, single submitter. Criteria: ACMG Guidelines, 2015. Collection method: clinical testing. Allele origin: germline. Affected: yes.
Comment: The variant is not observed in the gnomAD v2.1.1 dataset. Predicted Consequence/Location: The majority of the known disease-causing variants of this gene are variants expected to result in premature termination of the protein. In silico tool predictions suggest damaging effect of the variant on gene or gene product [REVEL: 0.80 (>=0.6, sensitivity 0.68 and specificity 0.92); 3Cnet: 0.98 (>=0.6, sensitivity 0.72 and precision 0.9)]. Therefore, this variant is classified as VUS according to the recommendation of ACMG/AMP guideline.

NM_015629.4(PRPF31):c.959T>C (p.Leu320Pro)

Gene: PRPF31 (pre-mRNA processing factor 31; plus strand). Cytogenetic location: 19q13.42.
Variant type: single nucleotide variant.
Coding change: c.959T>C on transcript NM_015629.4 (MANE Select); coding-DNA position 959, T replaced by C.
Protein change: p.Leu320Pro; replaces leucine 320 with proline.
Molecular consequence: missense variant.
Genome position (GRCh38, 1-based): chr19:54,128,086, T>C. VCF-style: chr19-54128086-T-C. GRCh37 (hg19) VCF-style: chr19-54631461-T-C.
Other names: short protein forms L320P.
Identifiers: ClinVar variation 3775456 (VCV003775456.1).